The following is an entry in ClinVar:

ClinVar aggregate classification (germline): Uncertain significance (1 of 4 stars; one submission).

Conditions:
Catecholaminergic polymorphic ventricular tachycardia (CVPT). Also called: Catecholamine-induced polymorphic ventricular tachycardia. Identifiers: Orphanet 3286, MedGen C5574922, MONDO:0017990.

Submission:

All of Us Research Program, National Institutes of Health
Classification: Uncertain significance for Catecholaminergic polymorphic ventricular tachycardia. Last evaluated: 2023-10-06. Review status: criteria provided, single submitter. Criteria: ACMG Guidelines, 2015. Collection method: clinical testing. Allele origin: germline. Inheritance: Autosomal dominant inheritance. Observed: 1 variant allele, 1 heterozygote.
Comment: This missense variant replaces glycine with arginine at codon 2900 of the RYR2 protein. Computational prediction suggests that this variant may have deleterious impact on protein structure and function (internally defined REVEL score threshold >= 0.7, PMID: 27666373). To our knowledge, functional studies have not been reported for this variant. This variant has not been reported in individuals affected with RYR2-related disorders in the literature. This variant has not been identified in the general population by the Genome Aggregation Database (gnomAD). The available evidence is insufficient to determine the role of this variant in disease conclusively. Therefore, this variant is classified as a Variant of Uncertain Significance.

This study involves interpretation of variants in research participants for the purpose of population health screening. Participant phenotype was not available at the time of variant classification. Additional details can be found in publication PMID: 35346344, PMCID: PMC8962531

NM_001035.3(RYR2):c.8698G>C (p.Gly2900Arg)

Gene: RYR2 (ryanodine receptor 2; plus strand). Cytogenetic location: 1q43.
Variant type: single nucleotide variant.
Coding change: c.8698G>C on transcript NM_001035.3 (MANE Select); coding-DNA position 8698, G replaced by C.
Protein change: p.Gly2900Arg; replaces glycine 2900 with arginine.
Molecular consequence: missense variant.
Genome position (GRCh38, 1-based): chr1:237,674,203, G>C. VCF-style: chr1-237674203-G-C. GRCh37 (hg19) VCF-style: chr1-237837503-G-C.
Other names: short protein forms G2900R.
Identifiers: ClinVar variation 3073719 (VCV003073719.1), dbSNP rs2547213878, ClinGen allele CA345403144.